The following is an entry in ClinVar:

ClinVar aggregate classification (germline): Pathogenic (0 of 4 stars; one submission).

Conditions:
Malignant tumor of breast. Also called: Malignant breast neoplasm; Cancer breast. Identifiers: MedGen C0006142, MONDO:0007254. Disease mechanism: loss of function.

Submission:

Department of Pathology and Laboratory Medicine, Sinai Health System
Classification: Pathogenic for Malignant tumor of breast. Review status: no assertion criteria provided. Collection method: clinical testing. Allele origin: unknown. Affected: yes. Study: The Canadian Open Genetics Repository (COGR).
Comment: The BARD1 c.1569-?_1677+?del variant (chr:2 g.215617171_215617279del GRCh37) results in a deletion of exon 7, although the precise breakpoints of this deletion were not determined, nor were the effects of this variant on the resulting mRNA or protein product determined. The BARD1 c.1569-?_1677+?del variant was not identified in the literature nor was it identified in the dbSNP, databases. The variant was not identified in the following control databases: the Exome Aggregation Consortium (August 8th 2016), or the Genome Aggregation Database (Feb 27, 2017). The c.1569-?_1677+?del variant leads to a premature stop codon at position 524 which is predicted to lead to a truncated or absent protein and loss of function. Loss of function variants of the BARD1 gene are an established mechanism of disease in BARD1 associated cancers and is the type of variant expected to cause the disorder. In summary, based on the above information this variant meets our laboratoryâ€šÃ„Ã´s criteria to be classified as pathogenic.

NM_000465.4(BARD1):c.1569-1_1677+2del

Gene: BARD1 (BRCA1 associated RING domain 1; minus strand). Cytogenetic location: 2q35.
Variant type: Deletion.
Coding change: c.1569-1_1677+2del on transcript NM_000465.4 (MANE Select); the canonical splice acceptor site of the intron before coding-DNA position 1569 through the canonical splice donor site of the intron after coding-DNA position 1677, 112 bases deleted.
Molecular consequence: splice acceptor variant, splice donor variant. On other transcripts: intron variant (1).
Genome position (GRCh38, 1-based): chr2:214,752,445-214,752,556, 112 bases deleted. GRCh37 (hg19): chr2:215,617,169-215,617,280.
Other names: c.159-1_267+2del (NM_001282548.2); c.1512-1_1620+2del (NM_001282543.2); c.216-1_324+2del (NM_001282545.2); c.365-22048_365-21937del (NM_001282549.2).
Identifiers: ClinVar variation 1050223 (VCV001050223.2), dbSNP rs2106038518, ClinGen allele CA2499215623.